The following is an entry in ClinVar:

ClinVar aggregate classification (germline): Benign (1 of 4 stars; one submission).

Allele frequency attached by ClinVar (database versions not stated): 1000 Genomes Project 30x 0.00328; 1000 Genomes Project 0.00359; gnomAD 0.00657; TOPMed 0.00718.
gnomAD v4.1: 1,029 of 152,332 alleles (0.68%); highest among the groups gnomAD compares: Non-Finnish European, 1%; 5 homozygotes.

Submission:

CeGaT Center for Human Genetics Tuebingen
Classification: Benign. Last evaluated: 2026-09-01. Review status: criteria provided, single submitter. Criteria: CeGaT Center For Human Genetics Tuebingen Variant Classification Criteria Version 2. Collection method: clinical testing. Allele origin: germline. Affected: yes. Observed: 15 variant alleles.
Comment: NOTCH2: BS1, BS2

NM_024408.4(NOTCH2):c.4859+191G>A

Gene: NOTCH2 (notch receptor 2; minus strand). Cytogenetic location: 1p12.
Variant type: single nucleotide variant.
Coding change: c.4859+191G>A on transcript NM_024408.4 (MANE Select); 191 bases into the intron after coding-DNA position 4859, G replaced by A.
Molecular consequence: intron variant.
Genome position (GRCh38, 1-based): chr1:119,923,446, C>T on the plus strand (G>A on the coding strand, the complement: NOTCH2 is on the minus strand). VCF-style: chr1-119923446-C-T. GRCh37 (hg19) VCF-style: chr1-120466069-C-T.
Identifiers: ClinVar variation 2639045 (VCV002639045.24), dbSNP rs144416375, ClinGen allele CA30318434.